The following is an entry in ClinVar:

ClinVar aggregate classification (germline): Uncertain significance (1 of 4 stars; one submission).

Allele frequency attached by ClinVar (database versions not stated): gnomAD 0.00003; gnomAD exomes 0.00005; TOPMed 0.00005; ESP Exome Variant Server 0.00008.
gnomAD v4.1: 77 of 1,612,902 alleles (0.0048%); highest among the groups gnomAD compares: Middle Eastern, 0.016%; no homozygotes.

Submission:

Labcorp Genetics (formerly Invitae), Labcorp
Classification: Uncertain significance. Last evaluated: 2025-11-24. Review status: criteria provided, single submitter. Criteria: Invitae Variant Classification Sherloc (09022015). Collection method: clinical testing. Allele origin: germline.
Comment: This sequence change replaces glycine, which is neutral and non-polar, with arginine, which is basic and polar, at codon 145 of the PITPNM3 protein (p.Gly145Arg). This variant is present in population databases (rs144931278, gnomAD 0.03%). This variant has not been reported in the literature in individuals affected with PITPNM3-related conditions. ClinVar contains an entry for this variant (Variation ID: 1039861). Invitae Evidence Modeling of protein sequence and biophysical properties (such as structural, functional, and spatial information, amino acid conservation, physicochemical variation, residue mobility, and thermodynamic stability) indicates that this missense variant is not expected to disrupt PITPNM3 protein function with a negative predictive value of 80%. In summary, the available evidence is currently insufficient to determine the role of this variant in disease. Therefore, it has been classified as a Variant of Uncertain Significance.

NM_031220.4(PITPNM3):c.433G>A (p.Gly145Arg)

Gene: PITPNM3 (PITPNM family member 3; minus strand). Cytogenetic location: 17p13.2.
Variant type: single nucleotide variant.
Coding change: c.433G>A on transcript NM_031220.4 (MANE Select); coding-DNA position 433, G replaced by A.
Protein change: p.Gly145Arg; replaces glycine 145 with arginine.
Molecular consequence: missense variant.
Genome position (GRCh38, 1-based): chr17:6,483,671, C>T on the plus strand (G>A on the coding strand, the complement: PITPNM3 is on the minus strand). VCF-style: chr17-6483671-C-T. GRCh37 (hg19) VCF-style: chr17-6386991-C-T.
Other names: c.325G>A, p.Gly109Arg (NM_001165966.2); short protein forms G145R, G109R.
Identifiers: ClinVar variation 1039861 (VCV001039861.9), dbSNP rs144931278, ClinGen allele CA8329826.
Genomic context (GRCh38, chr17:6,483,671, plus strand): 5'-TGACCTTCTCCAGCACGGAGCTGAAGGTGTGGATGTCGGCTGCCTTGCAGGACGGGTCCC[C>T]GGCACCCGTGTCCAGGATGTTTCCCCCATGCAGGACCAGCAGGAGGACATGTGTCTTGCA-3'
Protein context (NP_112497.2, residues 135-155): HGGNILDTGA[Gly145Arg]DPSCKAADIH